The following is an entry in ClinVar:

ClinVar aggregate classification (germline): Likely benign (1 of 4 stars; one submission).

Conditions:
Breast-ovarian cancer, familial, susceptibility to, 4. Identifiers: Orphanet 145, MedGen C3280345, MONDO:0013669, OMIM 614291.

Submission:

Myriad Genetics, Inc.
Classification: Likely benign for Breast-ovarian cancer, familial, susceptibility to, 4. Last evaluated: 2025-02-24. Review status: criteria provided, single submitter. Criteria: Myriad Autosomal Dominant, Autosomal Recessive and X-Linked Classification Criteria (2023). Collection method: clinical testing. Allele origin: unknown.
Comment: This variant is considered likely benign. This variant is intronic and is not expected to impact mRNA splicing.

NM_002878.4(RAD51D):c.667+9T>A

Genes: RAD51D (RAD51 paralog D; minus strand), RAD51L3-RFFL (RAD51L3-RFFL readthrough; minus strand). Cytogenetic location: 17q12.
Variant type: single nucleotide variant.
Coding change: c.667+9T>A on transcript NM_002878.4 (MANE Select); 9 bases into the intron after coding-DNA position 667, T replaced by A.
Molecular consequence: intron variant.
Genome position (GRCh38, 1-based): chr17:35,103,445, A>T on the plus strand (T>A on the coding strand, the complement: RAD51D is on the minus strand). VCF-style: chr17-35103445-A-T. GRCh37 (hg19) VCF-style: chr17-33430464-A-T.
Other names: c.331+9T>A (NM_133629.3); c.727+9T>A (NM_001142571.2).
Identifiers: ClinVar variation 3903682 (VCV003903682.1).